The following is an entry in ClinVar:

ClinVar aggregate classification (germline): Uncertain significance (1 of 4 stars; one submission).

Submission:

GeneDx
Classification: Uncertain significance. Last evaluated: 2025-05-18. Review status: criteria provided, single submitter. Criteria: GeneDx Variant Classification Process June 2021. Collection method: clinical testing. Allele origin: germline. Affected: yes.
Comment: Not observed at significant frequency in large population cohorts (gnomAD); In silico analysis supports that this missense variant has a deleterious effect on protein structure/function; Has not been previously published as pathogenic or benign to our knowledge

NM_001134363.3(RBM20):c.1688A>G (p.Tyr563Cys)

Gene: RBM20 (RNA binding motif protein 20; plus strand). Cytogenetic location: 10q25.2.
Variant type: single nucleotide variant.
Coding change: c.1688A>G on transcript NM_001134363.3 (MANE Select); coding-DNA position 1688, A replaced by G.
Protein change: p.Tyr563Cys; replaces tyrosine 563 with cysteine.
Molecular consequence: missense variant.
Genome position (GRCh38, 1-based): chr10:110,799,806, A>G. VCF-style: chr10-110799806-A-G. GRCh37 (hg19) VCF-style: chr10-112559564-A-G.
Other names: short protein forms Y563C.
Identifiers: ClinVar variation 4531022 (VCV004531022.1).